The following is an entry in ClinVar:

ClinVar aggregate classification (germline): Uncertain significance. Review status: criteria provided, multiple submitters, no conflicts (2 of 4 stars). 2 submissions from 2 submitters: Uncertain significance (2). Last evaluated 2026-04-23.

Conditions:
Inborn genetic diseases. Identifiers: MedGen C0950123, MeSH D030342.

gnomAD v4.1: 19 of 1,614,042 alleles (0.0012%); highest among the groups gnomAD compares: African/African-American, 0.008%; no homozygotes.

Submissions (2):

GeneDx
Classification: Uncertain significance. Last evaluated: 2026-04-23. Review status: criteria provided, single submitter. Criteria: GeneDx Variant Classification Process June 2021. Collection method: clinical testing. Allele origin: germline.
Comment: In silico analysis suggests that this missense variant does not alter protein structure/function; Has not been previously published as pathogenic or benign to our knowledge

Ambry Genetics
Classification: Uncertain significance for Inborn genetic diseases. Last evaluated: 2025-09-25. Review status: criteria provided, single submitter. Criteria: Ambry Variant Classification Scheme 2023. Collection method: clinical testing. Allele origin: germline.

NM_001379659.1(ZNF142):c.4966G>A (p.Asp1656Asn)

Gene: ZNF142 (zinc finger protein 142; minus strand). Cytogenetic location: 2q35.
Variant type: single nucleotide variant.
Coding change: c.4966G>A on transcript NM_001379659.1 (MANE Select); coding-DNA position 4966, G replaced by A.
Protein change: p.Asp1656Asn; replaces aspartic acid 1656 with asparagine.
Molecular consequence: missense variant.
Genome position (GRCh38, 1-based): chr2:218,642,150, C>T on the plus strand (G>A on the coding strand, the complement: ZNF142 is on the minus strand). VCF-style: chr2-218642150-C-T. GRCh37 (hg19) VCF-style: chr2-219506873-C-T.
Other names: c.4366G>A (NM_001105537.2); c.4366G>A, p.Asp1456Asn (NM_001105537.5, NM_001366291.3, NM_001379662.1); c.3877G>A, p.Asp1293Asn (NM_001366287.3, NM_001366288.3, NM_001366289.3); c.4966G>A, p.Asp1656Asn (NM_001366290.3, NM_001379660.1, NM_001379661.1); short protein forms D1293N, D1656N, D1456N.
Identifiers: ClinVar variation 4635129 (VCV004635129.2).